The following is an entry in ClinVar:

NM_024675.4(PALB2):c.1394_1395insAGAC (p.Met465fs)

Gene: PALB2 (partner and localizer of BRCA2; minus strand). Cytogenetic location: 16p12.2.
Variant type: Insertion.
Coding change: c.1394_1395insAGAC on transcript NM_024675.4 (MANE Select); coding-DNA positions 1394 to 1395, AGAC inserted.
Protein change: p.Met465fs; shifts the reading frame from methionine 465.
Molecular consequence: frameshift variant. On other transcripts: intron variant (3).
Genome position: GRCh38 VCF-style: chr16-23635151-C-CGTCT. GRCh37 (hg19) VCF-style: chr16-23646472-C-CGTCT.
Other names: c.1334_1335insAGAC, p.Met445fs (NM_001407296.1); c.1394_1395insAGAC, p.Met465fs (NM_001407297.1, NM_001407298.1, NM_001407299.1 and 3 more transcripts); c.509_510insAGAC, p.Met170fs (NM_001407304.1, NM_001407305.1, NM_001407306.1 and 5 more transcripts); c.49-5877_49-5876insAGAC (NM_001407314.1); c.-104-4683_-104-4682insAGAC (NM_001407313.1, NM_001407312.1); short protein forms M465fs, M170fs, M445fs.
Identifiers: ClinVar variation 3148689 (VCV003148689.1), dbSNP rs2506479063, ClinGen allele CA2825002426.

ClinVar aggregate classification (germline): Pathogenic (1 of 4 stars; one submission).

Conditions:
Familial cancer of breast. Also called: BREAST CANCER, FAMILIAL; Hereditary breast cancer; hereditary breast carcinoma. Identifiers: Orphanet 227535, MedGen C0346153, MONDO:0016419, OMIM 114480. Disease mechanism: loss of function.

Submission:

Myriad Genetics, Inc.
Classification: Pathogenic for Familial cancer of breast. Last evaluated: 2024-01-30. Review status: criteria provided, single submitter. Criteria: Myriad Autosomal Dominant, Autosomal Recessive and X-Linked Classification Criteria (2023). Collection method: clinical testing. Allele origin: unknown.
Comment: This variant is considered pathogenic. This variant creates a frameshift predicted to result in premature protein truncation.